The following is an entry in ClinVar:

ClinVar aggregate classification (germline): Uncertain significance (1 of 4 stars; one submission).

gnomAD v4.1: 2 of 1,520,506 alleles (0.00013%); highest among the groups gnomAD compares: Non-Finnish European, 0.00018%; no homozygotes.

Submission:

GeneDx
Classification: Uncertain significance. Last evaluated: 2022-05-17. Review status: criteria provided, single submitter. Criteria: GeneDx Variant Classification Process June 2021. Collection method: clinical testing. Allele origin: germline. Affected: yes.
Comment: Not observed at significant frequency in large population cohorts (gnomAD); In silico analysis supports that this missense variant has a deleterious effect on protein structure/function; Has not been previously published as pathogenic or benign to our knowledge

NM_001127222.2(CACNA1A):c.43G>A (p.Gly15Arg)

Gene: CACNA1A (calcium voltage-gated channel subunit alpha1 A; minus strand). Cytogenetic location: 19p13.13.
Variant type: single nucleotide variant.
Coding change: c.43G>A on transcript NM_001127222.2 (MANE Select); coding-DNA position 43, G replaced by A.
Protein change: p.Gly15Arg; replaces glycine 15 with arginine.
Molecular consequence: missense variant.
Genome position (GRCh38, 1-based): chr19:13,506,182, C>T on the plus strand (G>A on the coding strand, the complement: CACNA1A is on the minus strand). VCF-style: chr19-13506182-C-T. GRCh37 (hg19) VCF-style: chr19-13616996-C-T.
Other names: c.43G>A, p.Gly15Arg (NM_000068.4, NM_001127221.2, NM_001174080.2 and 1 more transcripts); short protein forms G15R.
Identifiers: ClinVar variation 1800692 (VCV001800692.1), dbSNP rs2513710149, ClinGen allele CA404971319.